The following is an entry in ClinVar:

NM_213606.4(SLC16A12):c.837C>G (p.Leu279=)

Gene: SLC16A12 (solute carrier family 16 member 12; minus strand). Cytogenetic location: 10q23.31.
Variant type: single nucleotide variant.
Coding change: c.837C>G on transcript NM_213606.4 (MANE Select); coding-DNA position 837, C replaced by G.
Protein change: p.Leu279=; no amino-acid change (leucine 279 retained).
Molecular consequence: synonymous variant.
Genome position (GRCh38, 1-based): chr10:89,438,795, G>C on the plus strand (C>G on the coding strand, the complement: SLC16A12 is on the minus strand). VCF-style: chr10-89438795-G-C. GRCh37 (hg19) VCF-style: chr10-91198552-G-C.
Identifiers: ClinVar variation 3054720 (VCV003054720.2), dbSNP rs2496090873, ClinGen allele CA470979920.

ClinVar aggregate classification (germline): Likely benign (0 of 4 stars; one submission).

Conditions:
SLC16A12-related disorder. Also called: SLC16A12-related condition.

Allele frequency attached by ClinVar (database versions not stated): gnomAD exomes below 0.00001.
gnomAD v4.1: 1 of 1,614,142 alleles (0.000062%); highest among the groups gnomAD compares: Non-Finnish European, 0.000085%; no homozygotes.

Submission:

PreventionGenetics, part of Exact Sciences
Classification: Likely benign for SLC16A12-related condition. Last evaluated: 2020-05-11. Review status: no assertion criteria provided. Collection method: clinical testing. Allele origin: germline.
Comment: This variant is classified as likely benign based on ACMG/AMP sequence variant interpretation guidelines (Richards et al. 2015 PMID: 25741868, with internal and published modifications).